The following is an entry in ClinVar:

NM_058216.3(RAD51C):c.1112_1119dup (p.Glu374fs)

Gene: RAD51C (RAD51 paralog C; plus strand). Cytogenetic location: 17q22.
Variant type: Duplication.
Coding change: c.1112_1119dup on transcript NM_058216.3 (MANE Select); coding-DNA positions 1112 to 1119, 8 bases duplicated (ACCCAGAG; older notation c.1112_1119dupACCCAGAG).
Protein change: p.Glu374fs; shifts the reading frame from glutamic acid 374.
Molecular consequence: frameshift variant. On other transcripts: non-coding transcript variant (1).
Genome position (GRCh38, 1-based): chr17:58,734,203-58,734,210, ACCCAGAG duplicated; duplicating any 8 consecutive bases within chr17:58,734,200-58,734,210 gives the same sequence; the c. name uses the placement nearest the transcript's 3' end. VCF-style (leftmost placement, unchanged base first): chr17-58734199-C-CGAGACCCA. GRCh37 (hg19) VCF-style: chr17-56811560-C-CGAGACCCA.
Other names: c.1112_1119dupACCCAGAG (NM_058216.1); short protein forms E374fs.
Identifiers: ClinVar variation 3786488 (VCV003786488.1).
Genomic context (GRCh38, chr17:58,734,199, plus strand): 5'-GTTGTTACTTCTGCATGTTCATTGCAAACAGAAGGTTCCTTGAGCACCCGGAAACGGTCA[C>CGAGACCCA]GAGACCCAGAGGAAGAATTATAACCCAGAAACAAATCTCAAAGTGTACAAATTTATTGAT-3'

ClinVar aggregate classification (germline): Uncertain significance (1 of 4 stars; one submission).

Conditions:
Hereditary cancer-predisposing syndrome. Also called: Neoplastic Syndromes, Hereditary; Hereditary Cancer Syndrome; Tumor predisposition; Hereditary neoplastic syndrome. Identifiers: Orphanet 140162, MedGen C0027672, MeSH D009386, MONDO:0015356.

Submission:

Ambry Genetics
Classification: Uncertain significance for Hereditary cancer-predisposing syndrome. Last evaluated: 2024-12-12. Review status: criteria provided, single submitter. Criteria: Ambry Variant Classification Scheme 2023. Collection method: clinical testing. Allele origin: germline.
Comment: The c.1112_1119dupACCCAGAG variant, located in coding exon 9 of the RAD51C gene, results from a duplication of ACCCAGAG at nucleotide position 1112, causing a translational frameshift with a predicted alternate stop codon (p.E374Tfs*36). This alteration occurs at the 3' terminus of the RAD51C gene, is not expected to trigger nonsense-mediated mRNAdecay and results in the elongation of the protein by 32 amino acids. This frameshift impacts the last 3amino acids of the native protein. The exact functional effect of the altered amino acids is unknown. Based on the available evidence, the clinical significance of this variant remains unclear.